The following is an entry in ClinVar:

ClinVar aggregate classification (germline): Benign/Likely benign. Review status: criteria provided, multiple submitters, no conflicts (2 of 4 stars). 5 submissions from 5 submitters: Benign (1); Likely benign (4). Last evaluated 2025-12-08.

Conditions:
Familial cancer of breast. Also called: BREAST CANCER, FAMILIAL; Hereditary breast cancer; hereditary breast carcinoma. Identifiers: Orphanet 227535, MedGen C0346153, MONDO:0016419, OMIM 114480. Disease mechanism: loss of function.
Hereditary cancer-predisposing syndrome. Also called: Hereditary neoplastic syndrome; Neoplastic Syndromes, Hereditary; Tumor predisposition; Hereditary Cancer Syndrome. Identifiers: Orphanet 140162, MedGen C0027672, MeSH D009386, MONDO:0015356.
Ataxia-telangiectasia syndrome (AT). Also called: LOUIS-BAR SYNDROME; Cerebello-oculocutaneous telangiectasia; Immunodeficiency with ataxia telangiectasia; AT, COMPLEMENTATION GROUP C; Ataxia-telangiectasia, complementation group D; ATAXIA-TELANGIECTASIA, COMPLEMENTATION GROUP A. Identifiers: Orphanet 100, MedGen C0004135, MONDO:0008840, OMIM 208900.

Allele frequency attached by ClinVar (database versions not stated): gnomAD exomes below 0.00001.
gnomAD v4.1: 3 of 1,612,120 alleles (0.00019%); highest among the groups gnomAD compares: South Asian, 0.0022%; no homozygotes.

Submissions (5):

Labcorp Genetics (formerly Invitae), Labcorp
Classification: Likely benign for Ataxia-telangiectasia syndrome. Last evaluated: 2025-12-08. Review status: criteria provided, single submitter. Criteria: Invitae Variant Classification Sherloc (09022015). Collection method: clinical testing. Allele origin: germline.

Institute for Biomarker Research, Medical Diagnostic Laboratories, L.L.C.
Classification: Likely benign for Hereditary cancer-predisposing syndrome. Last evaluated: 2024-10-22. Review status: criteria provided, single submitter. Criteria: ACMG Guidelines, 2015. Collection method: clinical testing. Allele origin: germline.
Comment: The synonymous variant NM_000051.4(ATM):c.4092C>T (p.Asp1364=) has been reported to ClinVar as Benign/Likely benign with a status of (2 stars) criteria provided, multiple submitters, no conflicts (Variation ID 482734 as of 2024-10-03). The p.Asp1364= variant is novel (not in any individuals) in gnomAD. The p.Asp1364= variant is novel (not in any individuals) in 1kG. The p.Asp1364= variant is not predicted to disrupt the existing donor splice site 18bp upstream by any splice site algorithm. The p.Asp1364= variant results in a substitution of a base that is not predicted conserved by GERP++ and PhyloP. For these reasons, this variant has been classified as Likely Benign.

Myriad Genetics, Inc.
Classification: Benign for Familial cancer of breast. Last evaluated: 2024-05-16. Review status: criteria provided, single submitter. Criteria: Myriad Autosomal Dominant, Autosomal Recessive and X-Linked Classification Criteria (2023). Collection method: clinical testing. Allele origin: unknown.
Comment: This variant is considered benign. This variant is a silent/synonymous amino acid change and it is not expected to impact splicing.

Color Diagnostics, LLC DBA Color Health
Classification: Likely benign for Hereditary cancer-predisposing syndrome. Last evaluated: 2018-11-26. Review status: criteria provided, single submitter. Criteria: ACMG Guidelines, 2015. Collection method: clinical testing. Allele origin: germline.

Ambry Genetics
Classification: Likely benign for Hereditary cancer-predisposing syndrome. Last evaluated: 2017-06-19. Review status: criteria provided, single submitter. Criteria: Ambry Variant Classification Scheme 2023. Collection method: clinical testing. Allele origin: germline.

NM_000051.4(ATM):c.4092C>T (p.Asp1364=)

Gene: ATM (ATM serine/threonine kinase; plus strand). Cytogenetic location: 11q22.3.
Variant type: single nucleotide variant.
Coding change: c.4092C>T on transcript NM_000051.4 (MANE Select); coding-DNA position 4092, C replaced by T.
Protein change: p.Asp1364=; no amino-acid change (aspartic acid 1364 retained).
Molecular consequence: synonymous variant.
Genome position (GRCh38, 1-based): chr11:108,287,698, C>T. VCF-style: chr11-108287698-C-T. GRCh37 (hg19) VCF-style: chr11-108158425-C-T.
Other names: c.4092C>T, p.Asp1364= (NM_001351834.2).
Identifiers: ClinVar variation 482734 (VCV000482734.18), dbSNP rs876660956, ClinGen allele CA476673612.